The following is an entry in ClinVar:

NM_016284.5(CNOT1):c.4721A>C (p.Glu1574Ala)

Gene: CNOT1 (CCR4-NOT transcription complex subunit 1; minus strand). Cytogenetic location: 16q21.
Variant type: single nucleotide variant.
Coding change: c.4721A>C on transcript NM_016284.5 (MANE Select); coding-DNA position 4721, A replaced by C.
Protein change: p.Glu1574Ala; replaces glutamic acid 1574 with alanine.
Molecular consequence: missense variant. On other transcripts: non-coding transcript variant (1).
Genome position (GRCh38, 1-based): chr16:58,541,580, T>G on the plus strand (A>C on the coding strand, the complement: CNOT1 is on the minus strand). VCF-style: chr16-58541580-T-G. GRCh37 (hg19) VCF-style: chr16-58575484-T-G.
Other names: c.4706A>C, p.Glu1569Ala (NM_001265612.2); short protein forms E1569A, E1574A.
Identifiers: ClinVar variation 3901395 (VCV003901395.1).

ClinVar aggregate classification (germline): Uncertain significance (1 of 4 stars; one submission).

gnomAD v4.1: 1 of 1,614,100 alleles (0.000062%); highest among the groups gnomAD compares: Non-Finnish European, 0.000085%; no homozygotes.

Submission:

GeneDx
Classification: Uncertain significance. Last evaluated: 2024-12-09. Review status: criteria provided, single submitter. Criteria: GeneDx Variant Classification Process June 2021. Collection method: clinical testing. Allele origin: germline. Affected: yes.
Comment: Not observed at significant frequency in large population cohorts (gnomAD); In silico analysis supports that this missense variant has a deleterious effect on protein structure/function; Has not been previously published as pathogenic or benign to our knowledge